The following is an entry in ClinVar:

ClinVar aggregate classification (germline): Benign. Review status: criteria provided, multiple submitters, no conflicts (2 of 4 stars). 5 submissions from 5 submitters: Benign (5). Last evaluated 2026-04-15.

Conditions:
REST-related disorder. Also called: REST-related condition.

Allele frequency attached by ClinVar (database versions not stated): gnomAD exomes 0.06187 and 0.07462; 1000 Genomes Project 30x 0.06199; ExAC 0.06217; 1000 Genomes Project 0.06450; gnomAD 0.07575 and 0.07838; ESP Exome Variant Server 0.07689.
gnomAD v4.1: 120,192 of 1,611,962 alleles (7.5%); highest among the groups gnomAD compares: African/African-American, 9.1%; 4,839 homozygotes.

Submissions (5):

PreventionGenetics, part of Exact Sciences
Classification: Benign for REST-related condition. Last evaluated: 2026-04-15. Review status: criteria provided, single submitter. Criteria: ACMG Guidelines, 2015. Collection method: clinical testing. Allele origin: germline.
Comment: This variant is classified as benign based on ACMG/AMP sequence variant interpretation guidelines (Richards et al. 2015 PMID: 25741868, with internal and published modifications).

Labcorp Genetics (formerly Invitae), Labcorp
Classification: Benign. Last evaluated: 2026-02-03. Review status: criteria provided, single submitter. Criteria: Invitae Variant Classification Sherloc (09022015). Collection method: clinical testing. Allele origin: germline.

Mayo Clinic Laboratories, Mayo Clinic
Classification: Benign. Last evaluated: 2021-04-25. Review status: criteria provided, single submitter. Criteria: ACMG Guidelines, 2015. Collection method: clinical testing. Allele origin: germline. Observed: 40 variant alleles.

GeneDx
Classification: Benign. Last evaluated: 2019-01-10. Review status: criteria provided, single submitter. Criteria: GeneDx Variant Classification Process June 2021. Collection method: clinical testing. Allele origin: germline. Affected: yes.

Breakthrough Genomics
Classification: Benign. Review status: criteria provided, single submitter. Criteria: ACMG Guidelines, 2015. Collection method: not provided. Allele origin: germline. Inheritance: Autosomal dominant inheritance. Affected: yes.

NM_005612.5(REST):c.2284A>C (p.Lys762Gln)

Gene: REST (RE1 silencing transcription factor; plus strand). Cytogenetic location: 4q12.
Variant type: single nucleotide variant.
Coding change: c.2284A>C on transcript NM_005612.5 (MANE Select); coding-DNA position 2284, A replaced by C.
Protein change: p.Lys762Gln; replaces lysine 762 with glutamine.
Molecular consequence: missense variant.
Genome position (GRCh38, 1-based): chr4:56,931,142, A>C. VCF-style: chr4-56931142-A-C. GRCh37 (hg19) VCF-style: chr4-57797308-A-C.
Other names: p.Lys762Gln; c.2284A>C, p.Lys762Gln (NM_001193508.2, NM_001363453.3); short protein forms K762Q.
Identifiers: ClinVar variation 1164933 (VCV001164933.15), dbSNP rs2227903, ClinGen allele CA2932447.